The following is an entry in ClinVar:

ClinVar aggregate classification (germline): Pathogenic (1 of 4 stars; one submission).

Allele frequency attached by ClinVar (database versions not stated): gnomAD exomes below 0.00001.
gnomAD v4.1: 3 of 1,613,998 alleles (0.00019%); highest among the groups gnomAD compares: Non-Finnish European, 0.00025%; no homozygotes.

Submission:

GeneDx
Classification: Pathogenic. Last evaluated: 2020-04-20. Review status: criteria provided, single submitter. Criteria: GeneDx Variant Classification Process June 2021. Collection method: clinical testing. Allele origin: germline. Affected: yes.
Comment: Occurs in the triple helical domain and replaces the glycine in the canonical Gly-X-Y repeat; missense substitution of a canonical glycine residue is expected to disrupt normal protein folding and function, and this is an established mechanism of disease (Stenson et al., 2014); Not observed in large population cohorts (Lek et al., 2016); In silico analysis supports that this missense variant has a deleterious effect on protein structure/function; Has not been previously published as pathogenic or benign to our knowledge

NM_000090.4(COL3A1):c.2123G>C (p.Gly708Ala)

Gene: COL3A1 (collagen type III alpha 1 chain; plus strand). Cytogenetic location: 2q32.2.
Variant type: single nucleotide variant.
Coding change: c.2123G>C on transcript NM_000090.4 (MANE Select); coding-DNA position 2123, G replaced by C.
Protein change: p.Gly708Ala; replaces glycine 708 with alanine.
Molecular consequence: missense variant.
Genome position (GRCh38, 1-based): chr2:188,999,471, G>C. VCF-style: chr2-188999471-G-C. GRCh37 (hg19) VCF-style: chr2-189864197-G-C.
Other names: short protein forms G708A.
Identifiers: ClinVar variation 383538 (VCV000383538.3), dbSNP rs111929073, ClinGen allele CA16604062.